The following is an entry in ClinVar:

NC_000015.9:g.(72636482_72637786)_(72639052_72640026)del

Gene: HEXA (hexosaminidase subunit alpha; minus strand). Cytogenetic location: 15q23.
Variant type: Deletion.
Identifiers: ClinVar variation 2429157 (VCV002429157.3).

ClinVar aggregate classification (germline): Likely pathogenic (1 of 4 stars; one submission).

Conditions:
Tay-Sachs disease (TSD). Also called: HEXA DEFICIENCY; Hexosaminidase A Deficiency; GM2 gangliosidosis, type 1; Hexosaminidase alpha-subunit deficiency (variant B); Sphingolipidosis, Tay-Sachs; HEXA Disorders. Identifiers: Orphanet 845, MedGen C0039373, MONDO:0010100, OMIM 272800.

Submission:

Women's Health and Genetics/Laboratory Corporation of America, LabCorp
Classification: Likely pathogenic for Tay-Sachs disease. Last evaluated: 2023-01-18. Review status: criteria provided, single submitter. Criteria: LabCorp Variant Classification Summary - May 2015. Collection method: clinical testing. Allele origin: germline.
Comment: Variant summary: The variant identified by MLPA or other technology involves the deletion of exons 11-13 in the HEXA gene. A presumed nomenclature of c.(1146+1_1147-1)_(1526+1_1527-1)del has been designated for the purposes of this classification. Although the exact breakpoints of this deletion are not known, it is expected to result in a frameshift which may introduce a premature termination in the final exon of the HEXA gene. Although premature termination codons that occur in the last exon are not expected to cause absense of the protein through nonsense mediated decay, several missense variants have been reported in exons 11-13, indicating the importance of these exons for normal protein function (e.g. c.1495C>T [p.Arg499Cys], c.1496G>A [p.Arg499His], c.1510C>T [p.Arg504Cys]). The variant was absent in 21694 control chromosomes (gnomAD Structural Variants dataset). To our knowledge, no occurrence of c.(1146+1_1147-1)_(1526+1_1527-1)del in individuals affected with Tay-Sachs Disease and no experimental evidence demonstrating its impact on protein function have been reported. One ClinVar submitter has assessed the variant since 2014: the variant was classified as likely pathogenic. Based on the evidence outlined above, the variant was classified as likely pathogenic.